The following is an entry in ClinVar:

NM_000302.4(PLOD1):c.613C>T (p.Arg205Cys)

Gene: PLOD1 (procollagen-lysine,2-oxoglutarate 5-dioxygenase 1; plus strand). Cytogenetic location: 1p36.22.
Variant type: single nucleotide variant.
Coding change: c.613C>T on transcript NM_000302.4 (MANE Select); coding-DNA position 613, C replaced by T.
Protein change: p.Arg205Cys; replaces arginine 205 with cysteine.
Molecular consequence: missense variant.
Genome position (GRCh38, 1-based): chr1:11,954,863, C>T. VCF-style: chr1-11954863-C-T. GRCh37 (hg19) VCF-style: chr1-12014920-C-T.
Other names: p.Arg205Cys; c.754C>T, p.Arg252Cys (NM_001316320.2); short protein forms R205C, R252C.
Identifiers: ClinVar variation 634546 (VCV000634546.22), dbSNP rs199990859, ClinGen allele CA598009.
Genomic context (GRCh38, chr1:11,954,863, plus strand): 5'-TGCAGTCTGGTACCTTCTTTCCTGCAGGAGCAGATCAATATCACCCTGGACCACCGCTGC[C>T]GTATCTTCCAGAACCTGGATGGAGCCTTGGGTGAGCAGCCCCCACGGGGAGGGGTGGATC-3'
Protein context (NP_000293.2, residues 195-215): QINITLDHRC[Arg205Cys]IFQNLDGALD

ClinVar aggregate classification (germline): Uncertain significance. Review status: criteria provided, multiple submitters, no conflicts (2 of 4 stars). 8 submissions from 8 submitters: Uncertain significance (7). 1 of the submissions does not count toward it. Last evaluated 2025-08-07.

Conditions:
PLOD1-related disorder. Also called: PLOD1-related condition.
Familial thoracic aortic aneurysm and aortic dissection (TAAD). Also called: Thoracic aortic aneurysms and dissections. Identifiers: Orphanet 91387, MedGen C4707243, MONDO:0019625.
Ehlers-Danlos syndrome, kyphoscoliotic type 1 (EDSKSCL1). Also called: Ehlers-Danlos syndrome, hydroxylysine-deficient; PLOD1-Related Kyphoscoliotic Ehlers-Danlos Syndrome; EHLERS-DANLOS SYNDROME, OCULAR-SCOLIOTIC TYPE; EHLERS-DANLOS SYNDROME, TYPE VIA. Identifiers: Orphanet 1900, MedGen C0268342, MONDO:0016002, OMIM 225400. Disease mechanism: loss of function.

Allele frequency attached by ClinVar (database versions not stated): TOPMed 0.00006; ESP Exome Variant Server 0.00008; 1000 Genomes Project 30x 0.00016; 1000 Genomes Project 0.00020.
gnomAD v4.1: 65 of 1,613,864 alleles (0.004%); highest among the groups gnomAD compares: Middle Eastern, 0.033%; no homozygotes.

Submissions (8):

Ambry Genetics
Classification: Uncertain significance for Familial thoracic aortic aneurysm and aortic dissection. Last evaluated: 2025-08-07. Review status: criteria provided, single submitter. Criteria: Ambry Variant Classification Scheme 2023. Collection method: clinical testing. Allele origin: germline.
Comment: The p.R205C variant (also known as c.613C>T), located in coding exon 6 of the PLOD1 gene, results from a C to T substitution at nucleotide position 613. The arginine at codon 205 is replaced by cysteine, an amino acid with highly dissimilar properties. This amino acid position is highly conserved in available vertebrate species. In addition, the in silico prediction for this alteration is inconclusive. Based on the available evidence, the clinical significance of this variant remains unclear.

Women's Health and Genetics/Laboratory Corporation of America, LabCorp
Classification: Uncertain significance. Last evaluated: 2025-03-24. Review status: criteria provided, single submitter. Criteria: LabCorp Variant Classification Summary - May 2015. Collection method: clinical testing. Allele origin: germline.
Comment: Variant summary: PLOD1 c.613C>T (p.Arg205Cys) results in a non-conservative amino acid change in the encoded protein sequence. Four of five in-silico tools predict a damaging effect of the variant on protein function. The variant allele was found at a frequency of 3.6e-05 in 251414 control chromosomes. The available data on variant occurrences in the general population are insufficient to allow any conclusion about variant significance. To our knowledge, no occurrence of c.613C>T in individuals affected with Ehlers-Danlos syndrome, kyphoscoliotic type 1 and no experimental evidence demonstrating its impact on protein function have been reported. ClinVar contains an entry for this variant (Variation ID: 634546). Based on the evidence outlined above, the variant was classified as uncertain significance.

Mayo Clinic Laboratories, Mayo Clinic
Classification: Uncertain significance. Last evaluated: 2021-10-22. Review status: criteria provided, single submitter. Criteria: ACMG Guidelines, 2015. Collection method: clinical testing. Allele origin: germline.

GeneDx
Classification: Uncertain significance. Last evaluated: 2021-09-24. Review status: criteria provided, single submitter. Criteria: GeneDx Variant Classification Process June 2021. Collection method: clinical testing. Allele origin: germline. Affected: yes.
Comment: In silico analysis supports that this missense variant has a deleterious effect on protein structure/function; Has not been previously published as pathogenic or benign to our knowledge

Labcorp Genetics (formerly Invitae), Labcorp
Classification: Uncertain significance for Ehlers-Danlos syndrome, kyphoscoliotic type 1. Last evaluated: 2021-09-02. Review status: criteria provided, single submitter. Criteria: Invitae Variant Classification Sherloc (09022015). Collection method: clinical testing. Allele origin: germline.
Comment: This sequence change replaces arginine with cysteine at codon 205 of the PLOD1 protein (p.Arg205Cys). The arginine residue is highly conserved and there is a large physicochemical difference between arginine and cysteine. This variant is present in population databases (rs199990859, ExAC 0.01%). This variant has not been reported in the literature in individuals affected with PLOD1-related conditions. Algorithms developed to predict the effect of missense changes on protein structure and function (SIFT, PolyPhen-2, Align-GVGD) all suggest that this variant is likely to be disruptive. In summary, the available evidence is currently insufficient to determine the role of this variant in disease. Therefore, it has been classified as a Variant of Uncertain Significance.

Department of Pathology and Laboratory Medicine, Sinai Health System
Classification: Uncertain significance for Ehlers-Danlos syndrome, kyphoscoliotic type 1. Last evaluated: 2021-08-20. Review status: criteria provided, single submitter. Criteria: ACMG Guidelines, 2015. Collection method: research. Allele origin: germline.

Genomic Research Center, Shahid Beheshti University of Medical Sciences
Classification: Uncertain significance for Ehlers-Danlos syndrome, hydroxylysine-deficient. Last evaluated: 2019-01-01. Review status: criteria provided, single submitter. Criteria: ACMG Guidelines, 2015. Collection method: clinical testing. Allele origin: inherited. Affected: yes. Observed: 1 variant allele.

PreventionGenetics, part of Exact Sciences
Classification: Uncertain significance for PLOD1-related condition. Last evaluated: 2024-08-16. Review status: no assertion criteria provided. Collection method: clinical testing. Allele origin: germline. Not counted in ClinVar's aggregate classification.
Comment: The PLOD1 c.613C>T variant is predicted to result in the amino acid substitution p.Arg205Cys. To our knowledge, this variant has not been reported in the literature. This variant is reported in 0.018% of alleles in individuals of African descent in gnomAD. At this time, the clinical significance of this variant is uncertain due to the absence of conclusive functional and genetic evidence.